The following is an entry in ClinVar:

ClinVar aggregate classification (germline): Uncertain significance. Review status: criteria provided, multiple submitters, no conflicts (2 of 4 stars). 6 submissions from 6 submitters: Uncertain significance (6). Last evaluated 2026-04-08.

Conditions:
IFT172-related disorder. Also called: IFT172-related condition; IFT172-related disorders.
Retinitis pigmentosa 71 (RP71). Identifiers: Orphanet 791, MedGen C4225342, MONDO:0014618, OMIM 616394.
Bardet-Biedl syndrome 20. Identifiers: MedGen C4310707, MONDO:0023670, OMIM 619471, MONDO:0014926.
Short-rib thoracic dysplasia 10 with or without polydactyly (SRTD10). Identifiers: Orphanet 474, MedGen C3810175, MONDO:0014284, OMIM 615630.

Allele frequency attached by ClinVar (database versions not stated): gnomAD 0.00001; gnomAD exomes 0.00002 and 0.00003; TOPMed 0.00002.
gnomAD v4.1: 45 of 1,613,854 alleles (0.0028%); highest among the groups gnomAD compares: African/African-American, 0.019%; 1 homozygote.

Submissions (6):

PreventionGenetics, part of Exact Sciences
Classification: Uncertain significance for IFT172-related condition. Last evaluated: 2026-04-08. Review status: criteria provided, single submitter. Criteria: ACMG Guidelines, 2015. Collection method: clinical testing. Allele origin: germline.
Comment: The IFT172 c.1609G>A variant is predicted to result in the amino acid substitution p.Val537Met. This variant has been reported in a large cohort study of individuals with retinitis pigmentosa (Table S2, Gao et al. 2019. PubMed ID: 31054281). This variant is reported in 0.0065% of alleles in individuals of South Asian descent in gnomAD. At this time, the clinical significance of this variant is uncertain due to the absence of conclusive functional and genetic evidence.

Blueprint Genetics
Classification: Uncertain significance. Last evaluated: 2023-04-26. Review status: criteria provided, single submitter. Criteria: ACMG Guidelines, 2015. Collection method: clinical testing. Allele origin: germline.

Labcorp Genetics (formerly Invitae), Labcorp
Classification: Uncertain significance for Retinitis pigmentosa 71; Short-rib thoracic dysplasia 10 with or without polydactyly. Last evaluated: 2022-06-04. Review status: criteria provided, single submitter. Criteria: Invitae Variant Classification Sherloc (09022015). Collection method: clinical testing. Allele origin: germline.
Comment: This sequence change replaces valine, which is neutral and non-polar, with methionine, which is neutral and non-polar, at codon 537 of the IFT172 protein (p.Val537Met). This variant is present in population databases (no rsID available, gnomAD 0.007%). This missense change has been observed in individual(s) with clinical features of IFT172-related conditions (PMID: 31054281). ClinVar contains an entry for this variant (Variation ID: 855004). Algorithms developed to predict the effect of missense changes on protein structure and function are either unavailable or do not agree on the potential impact of this missense change (SIFT: "Deleterious"; PolyPhen-2: "Probably Damaging"; Align-GVGD: "Class C0"). In summary, the available evidence is currently insufficient to determine the role of this variant in disease. Therefore, it has been classified as a Variant of Uncertain Significance.

GeneDx
Classification: Uncertain significance. Last evaluated: 2022-05-23. Review status: criteria provided, single submitter. Criteria: GeneDx Variant Classification Process June 2021. Collection method: clinical testing. Allele origin: germline. Affected: yes.
Comment: Reported in a patient with retinitis pigmentosa; however, familial segregation information and additional clinical information was not provided (Gao et al., 2019); In silico analysis supports that this missense variant has a deleterious effect on protein structure/function; This variant is associated with the following publications: (PMID: 31054281)

Fulgent Genetics
Classification: Uncertain significance for Short-rib thoracic dysplasia 10 with or without polydactyly; Retinitis pigmentosa 71; Bardet-Biedl syndrome 20. Last evaluated: 2021-08-09. Review status: criteria provided, single submitter. Criteria: ACMG Guidelines, 2015. Collection method: clinical testing. Allele origin: unknown.

Genetic Services Laboratory, University of Chicago
Classification: Uncertain significance. Last evaluated: 2019-01-10. Review status: criteria provided, single submitter. Criteria: ACMG Guidelines, 2015. Collection method: clinical testing. Allele origin: germline. Affected: no.

Literature cited by the submitters: PubMed 31054281 (cited by Labcorp Genetics (formerly Invitae), Labcorp).

NM_015662.3(IFT172):c.1609G>A (p.Val537Met)

Gene: IFT172 (intraflagellar transport 172; minus strand). Cytogenetic location: 2p23.3.
Variant type: single nucleotide variant.
Coding change: c.1609G>A on transcript NM_015662.3 (MANE Select); coding-DNA position 1609, G replaced by A.
Protein change: p.Val537Met; replaces valine 537 with methionine.
Molecular consequence: missense variant.
Genome position (GRCh38, 1-based): chr2:27,471,011, C>T on the plus strand (G>A on the coding strand, the complement: IFT172 is on the minus strand). VCF-style: chr2-27471011-C-T. GRCh37 (hg19) VCF-style: chr2-27693878-C-T.
Other names: short protein forms V537M.
Identifiers: ClinVar variation 855004 (VCV000855004.13), dbSNP rs868020223, ClinGen allele CA44508903.